The following is an entry in ClinVar:

NM_000214.3(JAG1):c.2959A>C (p.Asn987His)

Gene: JAG1 (jagged canonical Notch ligand 1; minus strand). Cytogenetic location: 20p12.2.
Variant type: single nucleotide variant.
Coding change: c.2959A>C on transcript NM_000214.3 (MANE Select); coding-DNA position 2959, A replaced by C.
Protein change: p.Asn987His; replaces asparagine 987 with histidine.
Molecular consequence: missense variant.
Genome position (GRCh38, 1-based): chr20:10,641,202, T>G on the plus strand (A>C on the coding strand, the complement: JAG1 is on the minus strand). VCF-style: chr20-10641202-T-G. GRCh37 (hg19) VCF-style: chr20-10621850-T-G.
Other names: short protein forms N987H.
Identifiers: ClinVar variation 4040692 (VCV004040692.1).
Genomic context (GRCh38, chr20:10,641,202, plus strand): 5'-AAGGGGAAGGCTCGCAAGCGATGTAGATTGAATATTCAGCGGAAACATTCTTCAAAATAT[T>G]CAAATTCCTCAATTCACTGCAAATGTGCTCCGTAGTAAGACCCTAAAACGATTTTTAAAA-3'
Protein context (NP_000205.1, residues 977-997): EHICSELRNL[Asn987His]ILKNVSAEYS

ClinVar aggregate classification (germline): Uncertain significance (1 of 4 stars; one submission).

Conditions:
Cardiovascular phenotype. Identifiers: MedGen CN230736.

Submission:

Ambry Genetics
Classification: Uncertain significance for Cardiovascular phenotype. Last evaluated: 2025-05-02. Review status: criteria provided, single submitter. Criteria: Ambry Variant Classification Scheme 2023. Collection method: clinical testing. Allele origin: germline.
Comment: The p.N987H variant (also known as c.2959A>C), located in coding exon 24 of the JAG1 gene, results from an A to C substitution at nucleotide position 2959. The asparagine at codon 987 is replaced by histidine, an amino acid with similar properties. This amino acid position is conserved. In addition, this alteration is predicted to be tolerated by in silico analysis. Based on the available evidence, the clinical significance of this variant remains unclear.